The following is an entry in ClinVar:

ClinVar aggregate classification (germline): Uncertain significance (1 of 4 stars; one submission).

Conditions:
Microcephaly, normal intelligence and immunodeficiency (NBS). Also called: Nijmegen breakage syndrome; Microcephaly with normal intelligence immunodeficiency and lymphoreticular malignancies; Nonsyndromal microcephaly autosomal recessive with normal intelligence; Seemanova syndrome 2; Ataxia telangiectasia variant V1; SEEMANOVA SYNDROME II. Identifiers: Orphanet 647, MedGen C0398791, MONDO:0009623, OMIM 251260.

Submission:

Labcorp Genetics (formerly Invitae), Labcorp
Classification: Uncertain significance for Microcephaly, normal intelligence and immunodeficiency. Last evaluated: 2022-10-13. Review status: criteria provided, single submitter. Criteria: Invitae Variant Classification Sherloc (09022015). Collection method: clinical testing. Allele origin: germline.
Comment: In summary, the available evidence is currently insufficient to determine the role of this variant in disease. Therefore, it has been classified as a Variant of Uncertain Significance. Algorithms developed to predict the effect of missense changes on protein structure and function are either unavailable or do not agree on the potential impact of this missense change (SIFT: "Deleterious"; PolyPhen-2: "Benign"; Align-GVGD: "Class C0"). ClinVar contains an entry for this variant (Variation ID: 1040083). This variant has not been reported in the literature in individuals affected with NBN-related conditions. This variant is not present in population databases (gnomAD no frequency). This sequence change replaces threonine, which is neutral and polar, with alanine, which is neutral and non-polar, at codon 144 of the NBN protein (p.Thr144Ala).

NM_002485.5(NBN):c.430A>G (p.Thr144Ala)

Gene: NBN (nibrin; minus strand). Cytogenetic location: 8q21.3.
Variant type: single nucleotide variant.
Coding change: c.430A>G on transcript NM_002485.5 (MANE Select); coding-DNA position 430, A replaced by G.
Protein change: p.Thr144Ala; replaces threonine 144 with alanine.
Molecular consequence: missense variant.
Genome position (GRCh38, 1-based): chr8:89,980,784, T>C on the plus strand (A>G on the coding strand, the complement: NBN is on the minus strand). VCF-style: chr8-89980784-T-C. GRCh37 (hg19) VCF-style: chr8-90993012-T-C.
Other names: c.184A>G, p.Thr62Ala (NM_001024688.3); short protein forms T62A, T144A.
Identifiers: ClinVar variation 1040083 (VCV001040083.8), dbSNP rs1812023859, ClinGen allele CA371661713.